The following is an entry in ClinVar:

NM_001378454.1(ALMS1):c.6471A>T (p.Pro2157=)

Gene: ALMS1 (ALMS1 centrosome and basal body associated protein; plus strand). Cytogenetic location: 2p13.1.
Variant type: single nucleotide variant.
Coding change: c.6471A>T on transcript NM_001378454.1 (MANE Select); coding-DNA position 6471, A replaced by T.
Protein change: p.Pro2157=; no amino-acid change (proline 2157 retained).
Molecular consequence: synonymous variant.
Genome position (GRCh38, 1-based): chr2:73,452,998, A>T. VCF-style: chr2-73452998-A-T. GRCh37 (hg19) VCF-style: chr2-73680125-A-T.
Other names: c.6474A>T, p.Pro2158= (NM_015120.4).
Identifiers: ClinVar variation 4987426 (VCV004987426.1).

ClinVar aggregate classification (germline): Uncertain significance (1 of 4 stars; one submission).

Conditions:
ALMS1-related disorder. Also called: ALMS1-related condition.

Submission:

PreventionGenetics, part of Exact Sciences
Classification: Uncertain significance for ALMS1-related condition. Last evaluated: 2026-05-02. Review status: criteria provided, single submitter. Criteria: ACMG Guidelines, 2015. Collection method: clinical testing. Allele origin: germline.
Comment: The ALMS1 c.6474A>T variant is predicted to result in the amino acid substitution p.Arg2158Ser. To our knowledge, this variant has not been reported in the literature. This variant is reported in 0.0018% of alleles in individuals of European (Non-Finnish) descent in gnomAD. At this time, the clinical significance of this variant is uncertain due to the absence of conclusive functional and genetic evidence.